The following is an entry in ClinVar:

ClinVar aggregate classification (germline): not provided (0 of 4 stars; one submission).

Allele frequency attached by ClinVar (database versions not stated): gnomAD exomes 0.00110 and 0.00284; ExAC 0.00345; 1000 Genomes Project 0.01078; ESP Exome Variant Server 0.01146; gnomAD 0.01178 and 0.01264; 1000 Genomes Project 30x 0.01218; TOPMed 0.01383.

Submission:

ITMI
No classification provided. Condition: AllHighlyPenetrant. Last evaluated: 2013-09-19. Review status: no classification provided. Collection method: reference population. Allele origin: germline.
Comment: Please see associated publication for description of ethnicities

Literature cited by the submitters: PubMed 24728327.

NM_001077706.3(ECT2L):c.437T>C (p.Ile146Thr)

Gene: ECT2L (epithelial cell transforming 2 like; plus strand). Cytogenetic location: 6q24.1.
Variant type: single nucleotide variant.
Coding change: c.437T>C on transcript NM_001077706.3 (MANE Select); coding-DNA position 437, T replaced by C.
Protein change: p.Ile146Thr; replaces isoleucine 146 with threonine.
Molecular consequence: missense variant.
Genome position (GRCh38, 1-based): chr6:138,843,073, T>C. VCF-style: chr6-138843073-T-C. GRCh37 (hg19) VCF-style: chr6-139164210-T-C.
Other names: c.437T>C, p.Ile146Thr (NM_001195037.2); short protein forms I146T.
Identifiers: ClinVar variation 134008 (VCV000134008.1), dbSNP rs76700722, ClinGen allele CA158402.